The following is an entry in ClinVar:

NM_006015.6(ARID1A):c.6001A>C (p.Met2001Leu)

Gene: ARID1A (AT-rich interaction domain 1A; plus strand). Cytogenetic location: 1p36.11.
Variant type: single nucleotide variant.
Coding change: c.6001A>C on transcript NM_006015.6 (MANE Select); coding-DNA position 6001, A replaced by C.
Protein change: p.Met2001Leu; replaces methionine 2001 with leucine.
Molecular consequence: missense variant.
Genome position (GRCh38, 1-based): chr1:26,779,899, A>C. VCF-style: chr1-26779899-A-C. GRCh37 (hg19) VCF-style: chr1-27106390-A-C.
Other names: c.5350A>C, p.Met1784Leu (NM_139135.4); short protein forms M1784L, M2001L.
Identifiers: ClinVar variation 4814063 (VCV004814063.1).

ClinVar aggregate classification (germline): Uncertain significance (1 of 4 stars; one submission).

Conditions:
Intellectual disability, autosomal dominant 14 (CSS2). Also called: COFFIN-SIRIS SYNDROME 2. Identifiers: Orphanet 1465, MedGen C3553247, MONDO:0013819, OMIM 614607.

Submission:

OLLIN Analises Genomicas, OLLIN
Classification: Uncertain significance for Intellectual disability, autosomal dominant 14. Last evaluated: 2026-02-13. Review status: criteria provided, single submitter. Criteria: ACMG Guidelines 2015 PMID 25741868. Collection method: clinical testing. Allele origin: germline. Observed: 1 variant allele.
Comment: PM1, PM2_P